The following is an entry in ClinVar:

ClinVar aggregate classification (germline): Uncertain significance (1 of 4 stars; one submission).

Submission:

GeneDx
Classification: Uncertain significance. Last evaluated: 2025-04-07. Review status: criteria provided, single submitter. Criteria: GeneDx Variant Classification Process June 2021. Collection method: clinical testing. Allele origin: germline. Affected: yes.
Comment: Not observed at significant frequency in large population cohorts (gnomAD); In silico analysis indicates that this missense variant does not alter protein structure/function; Has not been previously published as pathogenic or benign to our knowledge

NM_173495.3(PTCHD1):c.1385C>A (p.Thr462Lys)

Gene: PTCHD1 (patched domain containing 1; plus strand). Cytogenetic location: Xp22.11.
Variant type: single nucleotide variant.
Coding change: c.1385C>A on transcript NM_173495.3 (MANE Select); coding-DNA position 1385, C replaced by A.
Protein change: p.Thr462Lys; replaces threonine 462 with lysine.
Molecular consequence: missense variant.
Genome position (GRCh38, 1-based): chrX:23,392,903, C>A. VCF-style: chrX-23392903-C-A. GRCh37 (hg19) VCF-style: chrX-23411020-C-A.
Other names: short protein forms T462K.
Identifiers: ClinVar variation 4281735 (VCV004281735.1).
Genomic context (GRCh38, chrX:23,392,903, plus strand): 5'-GAAAAGTCCCAAAGCCTGAGGCATTGCAGGAGAAGCCGGCATGGTACAGGTTTCTCCTGA[C>A]GGCCAGATTCAGTGAGGACACAGCTGAAGGCGAGGAAGCGAACACTTACGAGAGTCACCT-3'
Protein context (NP_775766.2, residues 452-472): EKPAWYRFLL[Thr462Lys]ARFSEDTAEG